The following is an entry in ClinVar:

ClinVar aggregate classification (germline): Benign. Review status: criteria provided, multiple submitters, no conflicts (2 of 4 stars). 3 submissions from 3 submitters: Benign (2). 1 of the submissions does not count toward it. Last evaluated 2018-07-02.

Conditions:
OTUD7A-related disorder. Also called: OTUD7A-related condition.

Allele frequency attached by ClinVar (database versions not stated): gnomAD exomes 0.68657; gnomAD 0.75679 and 0.76193; TOPMed 0.78238; 1000 Genomes Project 0.79892; 1000 Genomes Project 30x 0.80606.
gnomAD v4.1: 709,085 of 1,024,014 alleles (69%); highest among the groups gnomAD compares: African/African-American, 92%; 247,930 homozygotes.

Submissions (3):

GeneDx
Classification: Benign. Last evaluated: 2018-07-02. Review status: criteria provided, single submitter. Criteria: GeneDx Variant Classification Process June 2021. Collection method: clinical testing. Allele origin: germline. Affected: yes.

Breakthrough Genomics
Classification: Benign. Review status: criteria provided, single submitter. Criteria: ACMG Guidelines, 2015. Collection method: not provided. Allele origin: germline. Inheritance: Unknown mechanism. Affected: yes.

PreventionGenetics, part of Exact Sciences
Classification: Benign for OTUD7A-related condition. Last evaluated: 2022-06-06. Review status: no assertion criteria provided. Collection method: clinical testing. Allele origin: germline. Not counted in ClinVar's aggregate classification.
Comment: This variant is classified as benign based on ACMG/AMP sequence variant interpretation guidelines (Richards et al. 2015 PMID: 25741868, with internal and published modifications).

NM_001382637.1(OTUD7A):c.2295G>C (p.Val765=)

Gene: OTUD7A (OTU deubiquitinase 7A; minus strand). Cytogenetic location: 15q13.3.
Variant type: single nucleotide variant.
Coding change: c.2295G>C on transcript NM_001382637.1 (MANE Select); coding-DNA position 2295, G replaced by C.
Protein change: p.Val765=; no amino-acid change (valine 765 retained).
Molecular consequence: synonymous variant.
Genome position (GRCh38, 1-based): chr15:31,483,801, C>G on the plus strand (G>C on the coding strand, the complement: OTUD7A is on the minus strand). VCF-style: chr15-31483801-C-G. GRCh37 (hg19) VCF-style: chr15-31776004-C-G.
Other names: c.2274G>C, p.Val758= (NM_130901.3); c.2274G>C (NM_130901.2).
Identifiers: ClinVar variation 1227617 (VCV001227617.6), dbSNP rs2338682, ClinGen allele CA7453395.